The following is an entry in ClinVar:

NM_032242.4(PLXNA1):c.179C>G (p.Thr60Arg)

Gene: PLXNA1 (plexin A1; plus strand). Cytogenetic location: 3q21.3.
Variant type: single nucleotide variant.
Coding change: c.179C>G on transcript NM_032242.4 (MANE Select); coding-DNA position 179, C replaced by G.
Protein change: p.Thr60Arg; replaces threonine 60 with arginine.
Molecular consequence: missense variant.
Genome position (GRCh38, 1-based): chr3:126,988,772, C>G. VCF-style: chr3-126988772-C-G. GRCh37 (hg19) VCF-style: chr3-126707615-C-G.
Other names: short protein forms T60R.
Identifiers: ClinVar variation 3349834 (VCV003349834.1).

ClinVar aggregate classification (germline): Uncertain significance (0 of 4 stars; one submission).

Conditions:
PLXNA1-related disorder. Also called: PLXNA1-related condition.

gnomAD v4.1: 1 of 1,604,762 alleles (0.000062%); highest among the groups gnomAD compares: Non-Finnish European, 0.000085%; no homozygotes.

Submission:

PreventionGenetics, part of Exact Sciences
Classification: Uncertain significance for PLXNA1-related condition. Last evaluated: 2024-03-29. Review status: no assertion criteria provided. Collection method: clinical testing. Allele origin: germline.
Comment: The PLXNA1 c.179C>G variant is predicted to result in the amino acid substitution p.Thr60Arg. To our knowledge, this variant has not been reported in the literature or in a large population database, indicating this variant is rare. At this time, the clinical significance of this variant is uncertain due to the absence of conclusive functional and genetic evidence.